The following is an entry in ClinVar:

ClinVar aggregate classification (germline): Likely benign (0 of 4 stars; one submission).

Conditions:
DDX41-related disorder. Also called: DDX41-related condition.

gnomAD v4.1: 10 of 1,614,156 alleles (0.00062%); highest among the groups gnomAD compares: Non-Finnish European, 0.00085%; no homozygotes.

Submission:

PreventionGenetics, part of Exact Sciences
Classification: Likely benign for DDX41-related condition. Last evaluated: 2019-07-12. Review status: no assertion criteria provided. Collection method: clinical testing. Allele origin: germline.
Comment: This variant is classified as likely benign based on ACMG/AMP sequence variant interpretation guidelines (Richards et al. 2015 PMID: 25741868, with internal and published modifications).

NM_016222.4(DDX41):c.298+8G>T

Gene: DDX41 (DEAD-box helicase 41; minus strand). Cytogenetic location: 5q35.3.
Variant type: single nucleotide variant.
Coding change: c.298+8G>T on transcript NM_016222.4 (MANE Select); 8 bases into the intron after coding-DNA position 298, G replaced by T.
Molecular consequence: intron variant.
Genome position (GRCh38, 1-based): chr5:177,516,280, C>A on the plus strand (G>T on the coding strand, the complement: DDX41 is on the minus strand). VCF-style: chr5-177516280-C-A. GRCh37 (hg19) VCF-style: chr5-176943281-C-A.
Other names: c.-81+8G>T (NM_001321830.2, NM_001321732.2).
Identifiers: ClinVar variation 3050365 (VCV003050365.2), dbSNP rs769834737, ClinGen allele CA2578499268.